The following is an entry in ClinVar:

NM_213599.3(ANO5):c.671G>C (p.Cys224Ser)

Gene: ANO5 (anoctamin 5; plus strand). Cytogenetic location: 11p14.3.
Variant type: single nucleotide variant.
Coding change: c.671G>C on transcript NM_213599.3 (MANE Select); coding-DNA position 671, G replaced by C.
Protein change: p.Cys224Ser; replaces cysteine 224 with serine.
Molecular consequence: missense variant.
Genome position (GRCh38, 1-based): chr11:22,236,185, G>C. VCF-style: chr11-22236185-G-C. GRCh37 (hg19) VCF-style: chr11-22257731-G-C.
Other names: c.668G>C, p.Cys223Ser (NM_001142649.2); short protein forms C224S, C223S.
Identifiers: ClinVar variation 850288 (VCV000850288.12), dbSNP rs749915913, ClinGen allele CA5922989.

ClinVar aggregate classification (germline): Uncertain significance. Review status: criteria provided, multiple submitters, no conflicts (2 of 4 stars). 3 submissions from 3 submitters: Uncertain significance (3). Last evaluated 2025-09-01.

Conditions:
Inborn genetic diseases. Identifiers: MedGen C0950123, MeSH D030342.
Gnathodiaphyseal dysplasia (GDD). Also called: GNATHODIAPHYSEAL SCLEROSIS; OSTEOGENESIS IMPERFECTA WITH UNUSUAL SKELETAL LESIONS. Identifiers: Orphanet 53697, MedGen C1833736, MONDO:0008151, OMIM 166260.
Autosomal recessive limb-girdle muscular dystrophy type 2L (LGMDR12). Also called: MUSCULAR DYSTROPHY, LIMB-GIRDLE, AUTOSOMAL RECESSIVE 12; Limb-Girdle Muscular Dystrophy R12 Anoctamin-5-Related (LGMD-R12); Limb-girdle muscular dystrophy, type 2L. Identifiers: Orphanet 206549, MedGen C1969785, MONDO:0012652, OMIM 611307.

Allele frequency attached by ClinVar (database versions not stated): ExAC 0.00001; gnomAD 0.00001; TOPMed 0.00002.
gnomAD v4.1: 17 of 1,612,586 alleles (0.0011%); highest among the groups gnomAD compares: Admixed American, 0.028%; no homozygotes.

Submissions (3):

Labcorp Genetics (formerly Invitae), Labcorp
Classification: Uncertain significance for Autosomal recessive limb-girdle muscular dystrophy type 2L; Gnathodiaphyseal dysplasia. Last evaluated: 2025-09-01. Review status: criteria provided, single submitter. Criteria: Invitae Variant Classification Sherloc (09022015). Collection method: clinical testing. Allele origin: germline.
Comment: This sequence change replaces cysteine, which is neutral and slightly polar, with serine, which is neutral and polar, at codon 224 of the ANO5 protein (p.Cys224Ser). This variant is present in population databases (rs749915913, gnomAD 0.03%). This variant has not been reported in the literature in individuals affected with ANO5-related conditions. ClinVar contains an entry for this variant (Variation ID: 850288). Invitae Evidence Modeling of protein sequence and biophysical properties (such as structural, functional, and spatial information, amino acid conservation, physicochemical variation, residue mobility, and thermodynamic stability) has been performed for this missense variant. However, the output from this modeling did not meet the statistical confidence thresholds required to predict the impact of this variant on ANO5 protein function. In summary, the available evidence is currently insufficient to determine the role of this variant in disease. Therefore, it has been classified as a Variant of Uncertain Significance.

Ambry Genetics
Classification: Uncertain significance for Inborn genetic diseases. Last evaluated: 2025-04-04. Review status: criteria provided, single submitter. Criteria: Ambry Variant Classification Scheme 2023. Collection method: clinical testing. Allele origin: germline.

GeneDx
Classification: Uncertain significance. Last evaluated: 2019-04-19. Review status: criteria provided, single submitter. Criteria: GeneDx Variant Classification Process June 2021. Collection method: clinical testing. Allele origin: germline. Affected: yes.
Comment: Has not been previously published as pathogenic or benign to our knowledge; In silico analysis, which includes protein predictors and evolutionary conservation, supports a deleterious effect